The following is an entry in ClinVar:

ClinVar aggregate classification (germline): Uncertain significance (1 of 4 stars; one submission).

Conditions:
2-aminoadipic 2-oxoadipic aciduria (AAKAD). Also called: ALPHA-AMINOADIPIC AND ALPHA-KETOADIPIC ACIDURIA; Aminoadipic aciduria. Identifiers: Orphanet 79154, MedGen C1859817, MONDO:0008774, OMIM 204750.

Allele frequency attached by ClinVar (database versions not stated): ExAC 0.00002.
gnomAD v4.1: 20 of 1,612,980 alleles (0.0012%); highest among the groups gnomAD compares: East Asian, 0.045%; no homozygotes.

Submission:

Labcorp Genetics (formerly Invitae), Labcorp
Classification: Uncertain significance for 2-aminoadipic 2-oxoadipic aciduria. Last evaluated: 2023-07-21. Review status: criteria provided, single submitter. Criteria: Invitae Variant Classification Sherloc (09022015). Collection method: clinical testing. Allele origin: germline.
Comment: This sequence change replaces glycine, which is neutral and non-polar, with alanine, which is neutral and non-polar, at codon 14 of the DHTKD1 protein (p.Gly14Ala). This variant is present in population databases (rs747408194, gnomAD 0.01%). This variant has not been reported in the literature in individuals affected with DHTKD1-related conditions. ClinVar contains an entry for this variant (Variation ID: 1949907). Experimental studies and prediction algorithms are not available or were not evaluated, and the functional significance of this variant is currently unknown. In summary, the available evidence is currently insufficient to determine the role of this variant in disease. Therefore, it has been classified as a Variant of Uncertain Significance.

NM_018706.7(DHTKD1):c.41G>C (p.Gly14Ala)

Gene: DHTKD1 (dehydrogenase E1 and transketolase domain containing 1; plus strand). Cytogenetic location: 10p14.
Variant type: single nucleotide variant.
Coding change: c.41G>C on transcript NM_018706.7 (MANE Select); coding-DNA position 41, G replaced by C.
Protein change: p.Gly14Ala; replaces glycine 14 with alanine.
Molecular consequence: missense variant.
Genome position (GRCh38, 1-based): chr10:12,069,074, G>C. VCF-style: chr10-12069074-G-C. GRCh37 (hg19) VCF-style: chr10-12111073-G-C.
Other names: short protein forms G14A.
Identifiers: ClinVar variation 1949907 (VCV001949907.5), dbSNP rs747408194, ClinGen allele CA5407420.
Genomic context (GRCh38, chr10:12,069,074, plus strand): 5'-GGCCGGGACATCTGGTGAACATGGCCTCTGCTACTGCGGCAGCAGCACGACGGGGCCTCG[G>C]CCGGGCTCTCCCTCTCTTCTGGCGTGGCTACCAGACCGAGCGGGGCGTTTACGGCTACCG-3'
Protein context (NP_061176.4, residues 4-24): ATAAAARRGL[Gly14Ala]RALPLFWRGY